The following is an entry in ClinVar:

NM_004655.4(AXIN2):c.577T>G (p.Ser193Ala)

Gene: AXIN2 (axin 2; minus strand). Cytogenetic location: 17q24.1.
Variant type: single nucleotide variant.
Coding change: c.577T>G on transcript NM_004655.4 (MANE Select); coding-DNA position 577, T replaced by G.
Protein change: p.Ser193Ala; replaces serine 193 with alanine.
Molecular consequence: missense variant.
Genome position (GRCh38, 1-based): chr17:65,558,044, A>C on the plus strand (T>G on the coding strand, the complement: AXIN2 is on the minus strand). VCF-style: chr17-65558044-A-C. GRCh37 (hg19) VCF-style: chr17-63554162-A-C.
Other names: c.577T>G, p.Ser193Ala (NM_001363813.1); short protein forms S193A.
Identifiers: ClinVar variation 2755855 (VCV002755855.3), dbSNP rs2544249343, ClinGen allele CA400680818.

ClinVar aggregate classification (germline): Uncertain significance (1 of 4 stars; one submission).

Conditions:
Oligodontia-cancer predisposition syndrome. Also called: TOOTH AGENESIS-COLORECTAL CANCER SYNDROME. Identifiers: Orphanet 300576, MedGen C1837750, MONDO:0012075, OMIM 608615. Disease mechanism: loss of function.

Submission:

Labcorp Genetics (formerly Invitae), Labcorp
Classification: Uncertain significance for Oligodontia-cancer predisposition syndrome. Last evaluated: 2023-08-28. Review status: criteria provided, single submitter. Criteria: Invitae Variant Classification Sherloc (09022015). Collection method: clinical testing. Allele origin: germline.
Comment: In summary, the available evidence is currently insufficient to determine the role of this variant in disease. Therefore, it has been classified as a Variant of Uncertain Significance. Advanced modeling of protein sequence and biophysical properties (such as structural, functional, and spatial information, amino acid conservation, physicochemical variation, residue mobility, and thermodynamic stability) performed at Invitae indicates that this missense variant is expected to disrupt AXIN2 protein function. This variant has not been reported in the literature in individuals affected with AXIN2-related conditions. This variant is not present in population databases (gnomAD no frequency). This sequence change replaces serine, which is neutral and polar, with alanine, which is neutral and non-polar, at codon 193 of the AXIN2 protein (p.Ser193Ala).